The following is an entry in ClinVar:

ClinVar aggregate classification (germline): Conflicting classifications of pathogenicity. Review status: criteria provided, conflicting classifications (1 of 4 stars). 15 submissions from 15 submitters: Uncertain significance (1); Benign (3); Likely benign (7). 4 of the submissions do not count toward it. Last evaluated 2026-01-24.

Conditions:
TGFBR1-related disorder. Also called: TGFBR1-related condition.
Loeys-Dietz syndrome (LDS). Identifiers: Orphanet 60030, MedGen C2697932, MONDO:0018954.
Familial thoracic aortic aneurysm and aortic dissection (TAAD). Also called: Thoracic aortic aneurysms and dissections. Identifiers: Orphanet 91387, MedGen C4707243, MONDO:0019625.

Allele frequency attached by ClinVar (database versions not stated): ESP Exome Variant Server 0.00008; 1000 Genomes Project 30x 0.00016; ExAC 0.00019; 1000 Genomes Project 0.00020; gnomAD exomes 0.00020 and 0.00048; TOPMed 0.00021; gnomAD 0.00025 and 0.00026.
gnomAD v4.1: 736 of 1,614,148 alleles (0.046%); highest among the groups gnomAD compares: Non-Finnish European, 0.059%; 1 homozygote.

Submissions (15):

Labcorp Genetics (formerly Invitae), Labcorp
Classification: Likely benign for Familial thoracic aortic aneurysm and aortic dissection. Last evaluated: 2026-01-24. Review status: criteria provided, single submitter. Criteria: Invitae Variant Classification Sherloc (09022015). Collection method: clinical testing. Allele origin: germline.

CeGaT Center for Human Genetics Tuebingen
Classification: Likely benign. Last evaluated: 2025-03-01. Review status: criteria provided, single submitter. Criteria: CeGaT Center For Human Genetics Tuebingen Variant Classification Criteria Version 2. Collection method: clinical testing. Allele origin: germline. Affected: yes. Observed: 7 variant alleles.
Comment: TGFBR1: BP4, BP7

Blueprint Genetics
Classification: Likely benign. Last evaluated: 2024-10-30. Review status: criteria provided, single submitter. Criteria: ACMG Guidelines, 2015. Collection method: clinical testing. Allele origin: germline.

ARUP Laboratories, Molecular Genetics and Genomics, ARUP Laboratories
Classification: Benign. Last evaluated: 2024-03-27. Review status: criteria provided, single submitter. Criteria: ARUP Molecular Germline Variant Investigation Process 2024. Collection method: clinical testing. Allele origin: germline.

All of Us Research Program, National Institutes of Health
Classification: Likely benign for Loeys-Dietz syndrome. Last evaluated: 2024-02-05. Review status: criteria provided, single submitter. Criteria: ACMG Guidelines, 2015. Collection method: clinical testing. Allele origin: germline. Inheritance: Autosomal dominant inheritance. Observed: 89 variant alleles, 88 heterozygotes, 1 homozygote.
Comment: This study involves interpretation of variants in research participants for the purpose of population health screening. Participant phenotype was not available at the time of variant classification. Additional details can be found in publication PMID: 35346344, PMCID: PMC8962531

Color Diagnostics, LLC DBA Color Health
Classification: Likely benign for Familial thoracic aortic aneurysm and aortic dissection. Last evaluated: 2018-10-21. Review status: criteria provided, single submitter. Criteria: ACMG Guidelines, 2015. Collection method: clinical testing. Allele origin: germline.

CHEO Genetics Diagnostic Laboratory, Children's Hospital of Eastern Ontario
Classification: Benign for Familial thoracic aortic aneurysm and aortic dissection. Last evaluated: 2018-03-27. Review status: criteria provided, single submitter. Criteria: ACMG Guidelines, 2015. Collection method: clinical testing. Allele origin: germline.

Ambry Genetics
Classification: Likely benign for Familial thoracic aortic aneurysm and aortic dissection. Last evaluated: 2015-10-20. Review status: criteria provided, single submitter. Criteria: Ambry Variant Classification Scheme 2023. Collection method: clinical testing. Allele origin: germline.

Eurofins Ntd Llc (ga)
Classification: Uncertain significance. Last evaluated: 2015-05-08. Review status: criteria provided, single submitter. Criteria: EGL Classification Definitions 2015. Collection method: clinical testing. Allele origin: germline. Observed: 1 variant allele, 1 heterozygote.

GeneDx
Classification: Benign. Last evaluated: 2015-02-10. Review status: criteria provided, single submitter. Criteria: GeneDx Variant Classification (06012015). Collection method: clinical testing. Allele origin: germline. Affected: yes.
Comment: This variant is considered likely benign or benign based on one or more of the following criteria: it is a conservative change, it occurs at a poorly conserved position in the protein, it is predicted to be benign by multiple in silico algorithms, and/or has population frequency not consistent with disease.

Laboratory for Molecular Medicine, Mass General Brigham Personalized Medicine
Classification: Likely benign. Last evaluated: 2009-06-03. Review status: criteria provided, single submitter. Criteria: LMM Criteria. Collection method: clinical testing. Allele origin: germline. Observed: 1 variant allele.

PreventionGenetics, part of Exact Sciences
Classification: Likely benign for TGFBR1-related condition. Last evaluated: 2019-06-24. Review status: no assertion criteria provided. Collection method: clinical testing. Allele origin: germline. Not counted in ClinVar's aggregate classification.
Comment: This variant is classified as likely benign based on ACMG/AMP sequence variant interpretation guidelines (Richards et al. 2015 PMID: 25741868, with internal and published modifications).

Clinical Genetics DNA and cytogenetics Diagnostics Lab, Erasmus MC, Erasmus Medical Center
Classification: Likely benign. Review status: no assertion criteria provided. Collection method: clinical testing. Allele origin: germline. Affected: yes. Study: VKGL Data-share Consensus. Not counted in ClinVar's aggregate classification.

Genome Diagnostics Laboratory, Amsterdam University Medical Center
Classification: Likely benign. Review status: no assertion criteria provided. Collection method: clinical testing. Allele origin: germline. Affected: yes. Study: VKGL Data-share Consensus. Not counted in ClinVar's aggregate classification.

Genome Diagnostics Laboratory, University Medical Center Utrecht
Classification: Likely benign. Review status: no assertion criteria provided. Collection method: clinical testing. Allele origin: germline. Affected: yes. Study: VKGL Data-share Consensus. Not counted in ClinVar's aggregate classification.

NM_004612.4(TGFBR1):c.528G>A (p.Thr176=)

Gene: TGFBR1 (transforming growth factor beta receptor 1; plus strand). Cytogenetic location: 9q22.33.
Variant type: single nucleotide variant.
Coding change: c.528G>A on transcript NM_004612.4 (MANE Select); coding-DNA position 528, G replaced by A.
Protein change: p.Thr176=; no amino-acid change (threonine 176 retained).
Molecular consequence: synonymous variant. On other transcripts: intron variant (1).
Genome position (GRCh38, 1-based): chr9:99,132,693, G>A. VCF-style: chr9-99132693-G-A. GRCh37 (hg19) VCF-style: chr9-101894975-G-A.
Other names: p.T176T:ACG>ACA; c.540G>A, p.Thr180= (NM_001306210.2); c.343+3593G>A (NM_001130916.3); c.528G>A (NM_004612.3).
Identifiers: ClinVar variation 45097 (VCV000045097.81), dbSNP rs190878719, ClinGen allele CA008566.
Genomic context (GRCh38, chr9:99,132,693, plus strand): 5'-TCGAGTGCCAAATGAAGAGGACCCTTCATTAGATCGCCCTTTTATTTCAGAGGGTACTAC[G>A]TTGAAAGACTTAATTTATGATATGACAACGTCAGGTTCTGGCTCAGGTAACATAATTGTT-3'
Protein context (NP_004603.1, residues 166-186): LDRPFISEGT[Thr176=]LKDLIYDMTT